The following is an entry in ClinVar:

ClinVar aggregate classification (germline): Pathogenic (1 of 4 stars; one submission).

Conditions:
Inborn genetic diseases. Identifiers: MedGen C0950123, MeSH D030342.

Submission:

Ambry Genetics
Classification: Pathogenic for Inborn genetic diseases. Last evaluated: 2025-07-03. Review status: criteria provided, single submitter. Criteria: Ambry Variant Classification Scheme 2023. Collection method: clinical testing. Allele origin: germline.
Comment: The c.1196dupC (p.L400Tfs*7) alteration, located in exon 9 (coding exon 8) of the THRA gene, consists of a duplication of C at position 1196, causing a translational frameshift with a predicted alternate stop codon after 7 amino acids. This alteration occurs at the 3' terminus of the THRA gene and is not expected to trigger nonsense-mediated mRNA decay. This variant was not reported in population-based cohorts in the Genome Aggregation Database (gnomAD). This variant is located in a region of the protein where truncating variants that escape nonsense mediated mRNA decay have been reported as disease-causing for THRA-related congenital nongoitrous hypothyroidism (Bochukova, 2012; van Mullem, 2012; Sun, 2019). Based on the available evidence, this alteration is classified as pathogenic.

Literature cited by the submitters: PubMed 22168587; PubMed 22494134; PubMed 30842990.

NM_199334.5(THRA):c.1196dup (p.Leu400fs)

Gene: THRA (thyroid hormone receptor alpha; plus strand). Cytogenetic location: 17q21.1.
Variant type: Duplication.
Coding change: c.1196dup on transcript NM_199334.5 (MANE Select); coding-DNA position 1196, one base duplicated (C; older notation c.1196dupC).
Protein change: p.Leu400fs; shifts the reading frame from leucine 400.
Molecular consequence: frameshift variant. On other transcripts: intron variant (3).
Genome position (GRCh38, 1-based): chr17:40,089,419, C duplicated; the last of 6 consecutive C bases (chr17:40,089,414-40,089,419); duplicating any one gives the same sequence. VCF-style (leftmost placement, unchanged base first): chr17-40089413-T-TC. GRCh37 (hg19) VCF-style: chr17-38245666-T-TC.
Other names: c.1110+86dup (NM_001190919.2, NM_003250.6, NM_001190918.2); short protein forms L400fs.
Identifiers: ClinVar variation 4184168 (VCV004184168.1).